The following is an entry in ClinVar:

ClinVar aggregate classification (germline): Uncertain significance (1 of 4 stars; one submission).

Allele frequency attached by ClinVar (database versions not stated): TOPMed below 0.00001; gnomAD exomes below 0.00001.
gnomAD v4.1: 2 of 1,365,524 alleles (0.00015%); highest among the groups gnomAD compares: Admixed American, 0.0039%; no homozygotes.

Submission:

Labcorp Genetics (formerly Invitae), Labcorp
Classification: Uncertain significance. Last evaluated: 2025-02-12. Review status: criteria provided, single submitter. Criteria: Invitae Variant Classification Sherloc (09022015). Collection method: clinical testing. Allele origin: germline.
Comment: This sequence change replaces glutamine, which is neutral and polar, with arginine, which is basic and polar, at codon 481 of the MAGEL2 protein (p.Gln481Arg). This variant is not present in population databases (gnomAD no frequency). This variant has not been reported in the literature in individuals affected with MAGEL2-related conditions. ClinVar contains an entry for this variant (Variation ID: 2962121). Experimental studies and prediction algorithms are not available or were not evaluated, and the functional significance of this variant is currently unknown. In summary, the available evidence is currently insufficient to determine the role of this variant in disease. Therefore, it has been classified as a Variant of Uncertain Significance.

NM_019066.5(MAGEL2):c.1442A>G (p.Gln481Arg)

Gene: MAGEL2 (MAGE family member L2; minus strand). Cytogenetic location: 15q11.2.
Variant type: single nucleotide variant.
Coding change: c.1442A>G on transcript NM_019066.5 (MANE Select); coding-DNA position 1442, A replaced by G.
Protein change: p.Gln481Arg; replaces glutamine 481 with arginine.
Molecular consequence: missense variant.
Genome position (GRCh38, 1-based): chr15:23,646,301, T>C on the plus strand (A>G on the coding strand, the complement: MAGEL2 is on the minus strand). VCF-style: chr15-23646301-T-C. GRCh37 (hg19) VCF-style: chr15-23891448-T-C.
Other names: short protein forms Q481R.
Identifiers: ClinVar variation 2962121 (VCV002962121.3), dbSNP rs2065653903, ClinGen allele CA391334035.